The following is an entry in ClinVar:

NM_138295.5(PKD1L1):c.3909C>G (p.Ser1303Arg)

Gene: PKD1L1 (polycystin 1 like 1, transient receptor potential channel interacting; minus strand). Cytogenetic location: 7p12.3.
Variant type: single nucleotide variant.
Coding change: c.3909C>G on transcript NM_138295.5 (MANE Select); coding-DNA position 3909, C replaced by G.
Protein change: p.Ser1303Arg; replaces serine 1303 with arginine.
Molecular consequence: missense variant.
Genome position (GRCh38, 1-based): chr7:47,866,602, G>C on the plus strand (C>G on the coding strand, the complement: PKD1L1 is on the minus strand). VCF-style: chr7-47866602-G-C. GRCh37 (hg19) VCF-style: chr7-47906200-G-C.
Other names: short protein forms S1303R.
Identifiers: ClinVar variation 4996777 (VCV004996777.1).

ClinVar aggregate classification (germline): Uncertain significance (1 of 4 stars; one submission).

Conditions:
PKD1L1-related disorder. Also called: PKD1L1-related condition.

Submission:

PreventionGenetics, part of Exact Sciences
Classification: Uncertain significance for PKD1L1-related condition. Last evaluated: 2024-11-12. Review status: criteria provided, single submitter. Criteria: ACMG Guidelines, 2015. Collection method: clinical testing. Allele origin: germline.
Comment: The PKD1L1 c.3909C>G variant is predicted to result in the amino acid substitution p.Ser1303Arg. To our knowledge, this variant has not been reported in the literature or in a large population database (gnomAD), indicating this variant is rare. At this time, the clinical significance of this variant is uncertain due to the absence of conclusive functional and genetic evidence.